The following is an entry in ClinVar:

NM_003791.4(MBTPS1):c.342G>A (p.Leu114=)

Gene: MBTPS1 (membrane bound transcription factor peptidase, site 1; minus strand). Cytogenetic location: 16q23.3.
Variant type: single nucleotide variant.
Coding change: c.342G>A on transcript NM_003791.4 (MANE Select); coding-DNA position 342, G replaced by A.
Protein change: p.Leu114=; no amino-acid change (leucine 114 retained).
Molecular consequence: synonymous variant.
Genome position (GRCh38, 1-based): chr16:84,099,132, C>T on the plus strand (G>A on the coding strand, the complement: MBTPS1 is on the minus strand). VCF-style: chr16-84099132-C-T. GRCh37 (hg19) VCF-style: chr16-84132737-C-T.
Other names: c.342G>A (NM_003791.3).
Identifiers: ClinVar variation 2065246 (VCV002065246.29), dbSNP rs144711887, ClinGen allele CA8201817.

ClinVar aggregate classification (germline): Benign/Likely benign. Review status: criteria provided, multiple submitters, no conflicts (2 of 4 stars). 3 submissions from 3 submitters: Benign (1); Likely benign (1). 1 of the submissions does not count toward it. Last evaluated 2025-09-16.

Conditions:
MBTPS1-related disorder. Also called: MBTPS1-related condition.

Allele frequency attached by ClinVar (database versions not stated): gnomAD exomes 0.00012; ExAC 0.00054; 1000 Genomes Project 0.00120; gnomAD 0.00127; 1000 Genomes Project 30x 0.00156; TOPMed 0.00170; ESP Exome Variant Server 0.00254.
gnomAD v4.1: 380 of 1,614,156 alleles (0.024%); highest among the groups gnomAD compares: African/African-American, 0.44%; 1 homozygote.

Submissions (3):

Labcorp Genetics (formerly Invitae), Labcorp
Classification: Benign. Last evaluated: 2025-09-16. Review status: criteria provided, single submitter. Criteria: Invitae Variant Classification Sherloc (09022015). Collection method: clinical testing. Allele origin: germline.

CeGaT Center for Human Genetics Tuebingen
Classification: Likely benign. Last evaluated: 2022-06-01. Review status: criteria provided, single submitter. Criteria: CeGaT Center For Human Genetics Tuebingen Variant Classification Criteria Version 2. Collection method: clinical testing. Allele origin: germline. Affected: yes. Observed: 1 variant allele.
Comment: MBTPS1: BP4

PreventionGenetics, part of Exact Sciences
Classification: Likely benign for MBTPS1-related condition. Last evaluated: 2019-08-28. Review status: no assertion criteria provided. Collection method: clinical testing. Allele origin: germline. Not counted in ClinVar's aggregate classification.
Comment: This variant is classified as likely benign based on ACMG/AMP sequence variant interpretation guidelines (Richards et al. 2015 PMID: 25741868, with internal and published modifications).